The following is an entry in ClinVar:

NM_004606.5(TAF1):c.50_52del (p.Ser17del)

Genes: TAF1 (TATA-box binding protein associated factor 1; plus strand), LOC130068417 (ATAC-STARR-seq lymphoblastoid active region 29743; plus strand). Cytogenetic location: Xq13.1.
Variant type: Deletion.
Coding change: c.50_52del on transcript NM_004606.5 (MANE Select); coding-DNA positions 50 to 52, 3 bases deleted (CTT; older notation c.50_52delCTT).
Protein change: p.Ser17del; deletes serine 17.
Molecular consequence: inframe deletion. On other transcripts: non-coding transcript variant (9).
Genome position (GRCh38, 1-based): chrX:71,366,424-71,366,426, CTT deleted; deleting any 3 consecutive bases within chrX:71,366,422-71,366,426 gives the same sequence; the c. name uses the placement nearest the transcript's 3' end. VCF-style (leftmost placement, unchanged base first): chrX-71366421-TTTC-T. GRCh37 (hg19) VCF-style: chrX-70586271-TTTC-T.
Other names: c.50_52del, p.Ser17del (NM_001286074.2, NM_138923.4); short protein forms S17del.
Identifiers: ClinVar variation 2901241 (VCV002901241.3), dbSNP rs757925911, ClinGen allele CA10446490.

ClinVar aggregate classification (germline): Uncertain significance (1 of 4 stars; one submission).

Submission:

Labcorp Genetics (formerly Invitae), Labcorp
Classification: Uncertain significance. Last evaluated: 2023-01-12. Review status: criteria provided, single submitter. Criteria: Invitae Variant Classification Sherloc (09022015). Collection method: clinical testing. Allele origin: germline.
Comment: This variant, c.110_112del, results in the deletion of 1 amino acid(s) of the TAF1 protein (p.Ser37del), but otherwise preserves the integrity of the reading frame. This variant is present in population databases (rs757925911, gnomAD no frequency). This variant has not been reported in the literature in individuals affected with TAF1-related conditions. Experimental studies and prediction algorithms are not available or were not evaluated, and the functional significance of this variant is currently unknown. In summary, the available evidence is currently insufficient to determine the role of this variant in disease. Therefore, it has been classified as a Variant of Uncertain Significance.